The following is an entry in ClinVar:

ClinVar aggregate classification (germline): Uncertain significance (1 of 4 stars; one submission).

Conditions:
Epileptic encephalopathy. Identifiers: MedGen C0543888, HP:0200134.

gnomAD v4.1: 1 of 1,613,934 alleles (0.000062%); highest among the groups gnomAD compares: Non-Finnish European, 0.000085%; no homozygotes.

Submission:

Labcorp Genetics (formerly Invitae), Labcorp
Classification: Uncertain significance for Epileptic encephalopathy. Last evaluated: 2020-01-02. Review status: criteria provided, single submitter. Criteria: Invitae Variant Classification Sherloc (09022015). Collection method: clinical testing. Allele origin: germline.
Comment: This variant has not been reported in the literature in individuals with RYR3-related conditions. This variant is not present in population databases (ExAC no frequency). This sequence change replaces aspartic acid with alanine at codon 1069 of the RYR3 protein (p.Asp1069Ala). The aspartic acid residue is highly conserved and there is a moderate physicochemical difference between aspartic acid and alanine. Algorithms developed to predict the effect of missense changes on protein structure and function are either unavailable or do not agree on the potential impact of this missense change (SIFT: "Deleterious"; PolyPhen-2: "Benign"; Align-GVGD: "Class C25"). In summary, the available evidence is currently insufficient to determine the role of this variant in disease. Therefore, it has been classified as a Variant of Uncertain Significance.

NM_001036.6(RYR3):c.3206A>C (p.Asp1069Ala)

Gene: RYR3 (ryanodine receptor 3; plus strand). Cytogenetic location: 15q14.
Variant type: single nucleotide variant.
Coding change: c.3206A>C on transcript NM_001036.6 (MANE Select); coding-DNA position 3206, A replaced by C.
Protein change: p.Asp1069Ala; replaces aspartic acid 1069 with alanine.
Molecular consequence: missense variant.
Genome position (GRCh38, 1-based): chr15:33,635,644, A>C. VCF-style: chr15-33635644-A-C. GRCh37 (hg19) VCF-style: chr15-33927845-A-C.
Other names: c.3206A>C, p.Asp1069Ala (NM_001243996.4); short protein forms D1069A.
Identifiers: ClinVar variation 1026157 (VCV001026157.9), dbSNP rs1272965489, ClinGen allele CA391574896.